The following is an entry in ClinVar:

ClinVar aggregate classification (germline): Uncertain significance (1 of 4 stars; one submission).

Allele frequency attached by ClinVar (database versions not stated): TOPMed below 0.00001.

Submission:

Labcorp Genetics (formerly Invitae), Labcorp
Classification: Uncertain significance. Last evaluated: 2021-10-24. Review status: criteria provided, single submitter. Criteria: Invitae Variant Classification Sherloc (09022015). Collection method: clinical testing. Allele origin: germline.
Comment: This sequence change replaces serine with glycine at codon 77 of the SAMD9L protein (p.Ser77Gly). The serine residue is weakly conserved and there is a small physicochemical difference between serine and glycine. This variant is not present in population databases (ExAC no frequency). This variant has not been reported in the literature in individuals affected with SAMD9L-related conditions. Algorithms developed to predict the effect of missense changes on protein structure and function are either unavailable or do not agree on the potential impact of this missense change (SIFT: "Not Available"; PolyPhen-2: "Benign"; Align-GVGD: "Not Available"). In summary, the available evidence is currently insufficient to determine the role of this variant in disease. Therefore, it has been classified as a Variant of Uncertain Significance.

NM_152703.5(SAMD9L):c.229A>G (p.Ser77Gly)

Gene: SAMD9L (sterile alpha motif domain containing 9 like; minus strand). Cytogenetic location: 7q21.2.
Variant type: single nucleotide variant.
Coding change: c.229A>G on transcript NM_152703.5 (MANE Select); coding-DNA position 229, A replaced by G.
Protein change: p.Ser77Gly; replaces serine 77 with glycine.
Molecular consequence: missense variant.
Genome position (GRCh38, 1-based): chr7:93,135,743, T>C on the plus strand (A>G on the coding strand, the complement: SAMD9L is on the minus strand). VCF-style: chr7-93135743-T-C. GRCh37 (hg19) VCF-style: chr7-92765056-T-C.
Other names: c.229A>G, p.Ser77Gly (NM_001303496.3, NM_001303497.3, NM_001303498.3 and 5 more transcripts); short protein forms S77G.
Identifiers: ClinVar variation 1388970 (VCV001388970.6), dbSNP rs1792418350, ClinGen allele CA368206557.